The following is an entry in ClinVar:

NM_001375462.1(LPP):c.1635A>G (p.Pro545=)

Gene: LPP (LIM domain containing preferred translocation partner in lipoma; plus strand). Cytogenetic location: 3q28.
Variant type: single nucleotide variant.
Coding change: c.1635A>G on transcript NM_001375462.1 (MANE Select); coding-DNA position 1635, A replaced by G.
Protein change: p.Pro545=; no amino-acid change (proline 545 retained).
Molecular consequence: synonymous variant. On other transcripts: non-coding transcript variant (1).
Genome position (GRCh38, 1-based): chr3:188,872,688, A>G. VCF-style: chr3-188872688-A-G. GRCh37 (hg19) VCF-style: chr3-188590476-A-G.
Other names: c.1635A>G, p.Pro545= (NM_001375455.1, NM_001375456.1, NM_001375457.1 and 21 more transcripts); c.1146A>G, p.Pro382= (NM_001387675.1, NM_001387676.1); c.1194A>G, p.Pro398= (NM_001167672.3).
Identifiers: ClinVar variation 3778588 (VCV003778588.7).
Genomic context (GRCh38, chr3:188,872,688, plus strand): 5'-TCTCTTCACTTTCAGGAAATTTGCCCCGCGATGTTCTGTGTGCAAGGAGCCTATTATGCC[A>G]GCCCCGGGCCAGGAGGAGACTGTCCGTATTGTGGCTTTGGATCGAGATTTCCATGTTCAC-3'
Protein context (NP_001362391.1, residues 535-555): RCSVCKEPIM[Pro545=]APGQEETVRI

ClinVar aggregate classification (germline): Likely benign (1 of 4 stars; one submission).

gnomAD v4.1: 116 of 1,614,074 alleles (0.0072%); highest among the groups gnomAD compares: Non-Finnish European, 0.0097%; no homozygotes.

Submission:

CeGaT Center for Human Genetics Tuebingen
Classification: Likely benign. Last evaluated: 2025-03-01. Review status: criteria provided, single submitter. Criteria: CeGaT Center For Human Genetics Tuebingen Variant Classification Criteria Version 2. Collection method: clinical testing. Allele origin: germline. Affected: yes. Observed: 1 variant allele.
Comment: LPP: BP4, BP7